The following is an entry in ClinVar:

NM_000051.4(ATM):c.468del (p.Trp156fs)

Gene: ATM (ATM serine/threonine kinase; plus strand). Cytogenetic location: 11q22.3.
Variant type: Deletion.
Coding change: c.468del on transcript NM_000051.4 (MANE Select); coding-DNA position 468, one base deleted (G; older notation c.468delG).
Protein change: p.Trp156fs; shifts the reading frame from tryptophan 156.
Molecular consequence: frameshift variant.
Genome position (GRCh38, 1-based): chr11:108,235,806, G deleted; the last of 2 consecutive G bases (chr11:108,235,805-108,235,806); deleting either gives the same sequence. VCF-style (leftmost placement, unchanged base first): chr11-108235804-TG-T. GRCh37 (hg19) VCF-style: chr11-108106531-TG-T.
Other names: c.468del, p.Trp156fs (NM_001351834.2); short protein forms W156fs.
Identifiers: ClinVar variation 941908 (VCV000941908.8), dbSNP rs2079245902, ClinGen allele CA1139662260.

ClinVar aggregate classification (germline): Pathogenic. Review status: criteria provided, multiple submitters, no conflicts (2 of 4 stars). 2 submissions from 2 submitters: Pathogenic (2). Last evaluated 2023-12-19.

Conditions:
Familial cancer of breast. Also called: hereditary breast carcinoma; BREAST CANCER, FAMILIAL; Hereditary breast cancer. Identifiers: Orphanet 227535, MedGen C0346153, MONDO:0016419, OMIM 114480. Disease mechanism: loss of function.
Ataxia-telangiectasia syndrome (AT). Also called: Cerebello-oculocutaneous telangiectasia; Immunodeficiency with ataxia telangiectasia; LOUIS-BAR SYNDROME; AT, COMPLEMENTATION GROUP C; ATAXIA-TELANGIECTASIA, COMPLEMENTATION GROUP A; ATAXIA-TELANGIECTASIA, FRESNO VARIANT. Identifiers: Orphanet 100, MedGen C0004135, MONDO:0008840, OMIM 208900.

Submissions (2):

Myriad Genetics, Inc.
Classification: Pathogenic for Familial cancer of breast. Last evaluated: 2023-12-19. Review status: criteria provided, single submitter. Criteria: Myriad Autosomal Dominant, Autosomal Recessive and X-Linked Classification Criteria (2023). Collection method: clinical testing. Allele origin: unknown.
Comment: This variant is considered pathogenic. This variant creates a frameshift predicted to result in premature protein truncation.

Labcorp Genetics (formerly Invitae), Labcorp
Classification: Pathogenic for Ataxia-telangiectasia syndrome. Last evaluated: 2023-11-09. Review status: criteria provided, single submitter. Criteria: Invitae Variant Classification Sherloc (09022015). Collection method: clinical testing. Allele origin: germline.
Comment: This sequence change creates a premature translational stop signal (p.Trp156Cysfs*10) in the ATM gene. It is expected to result in an absent or disrupted protein product. Loss-of-function variants in ATM are known to be pathogenic (PMID: 23807571, 25614872). This variant is not present in population databases (gnomAD no frequency). This variant has not been reported in the literature in individuals affected with ATM-related conditions. ClinVar contains an entry for this variant (Variation ID: 941908). For these reasons, this variant has been classified as Pathogenic.

Literature cited by the submitters: PubMed 23807571 (cited by Labcorp Genetics (formerly Invitae), Labcorp); PubMed 25614872 (cited by Labcorp Genetics (formerly Invitae), Labcorp).